The following is an entry in ClinVar:

NM_005422.4(TECTA):c.2614G>T (p.Ala872Ser)

Genes: TECTA (tectorin alpha; plus strand), TBCEL-TECTA (TBCEL-TECTA readthrough; plus strand), LOC126861365 (P300/CBP strongly-dependent group 1 enhancer GRCh37_chr11:121000154-121001353; plus strand). Cytogenetic location: 11q23.3.
Variant type: single nucleotide variant.
Coding change: c.2614G>T on transcript NM_005422.4 (MANE Select); coding-DNA position 2614, G replaced by T.
Protein change: p.Ala872Ser; replaces alanine 872 with serine.
Molecular consequence: missense variant.
Genome position (GRCh38, 1-based): chr11:121,129,884, G>T. VCF-style: chr11-121129884-G-T. GRCh37 (hg19) VCF-style: chr11-121000593-G-T.
Other names: c.3571G>T, p.Ala1191Ser (NM_001378761.1); short protein forms A1191S, A872S.
Identifiers: ClinVar variation 3250404 (VCV003250404.1), dbSNP rs757886838.

ClinVar aggregate classification (germline): Likely pathogenic (1 of 4 stars; one submission).

Conditions:
Autosomal recessive nonsyndromic hearing loss 21. Identifiers: Orphanet 90636, MedGen C1863655, MONDO:0011351, OMIM 603629.

Allele frequency attached by ClinVar (database versions not stated): gnomAD exomes below 0.00001.
gnomAD v4.1: 4 of 1,614,200 alleles (0.00025%); highest among the groups gnomAD compares: Non-Finnish European, 0.00025%; no homozygotes.

Submission:

Laboratory of Prof. Karen Avraham, Tel Aviv University
Classification: Likely pathogenic for Autosomal recessive nonsyndromic hearing loss 21. Last evaluated: 2024-06-09. Review status: criteria provided, single submitter. Criteria: ACMG Guidelines, 2015. Collection method: research. Allele origin: germline. Affected: yes. Observed: 1 variant allele.
Comment: DFNB21; high-tone HL